The following is an entry in ClinVar:

NM_001563.4(IMPG1):c.1903G>T (p.Val635Leu)

Gene: IMPG1 (interphotoreceptor matrix proteoglycan 1; minus strand). Cytogenetic location: 6q14.1.
Variant type: single nucleotide variant.
Coding change: c.1903G>T on transcript NM_001563.4 (MANE Select); coding-DNA position 1903, G replaced by T.
Protein change: p.Val635Leu; replaces valine 635 with leucine.
Molecular consequence: missense variant.
Genome position (GRCh38, 1-based): chr6:75,947,455, C>A on the plus strand (G>T on the coding strand, the complement: IMPG1 is on the minus strand). VCF-style: chr6-75947455-C-A. GRCh37 (hg19) VCF-style: chr6-76657172-C-A.
Other names: c.1669G>T, p.Val557Leu (NM_001282368.2); short protein forms V557L, V635L.
Identifiers: ClinVar variation 957246 (VCV000957246.9), dbSNP rs1781946894, ClinGen allele CA364775543.

ClinVar aggregate classification (germline): Uncertain significance (1 of 4 stars; one submission).

Submission:

Labcorp Genetics (formerly Invitae), Labcorp
Classification: Uncertain significance. Last evaluated: 2019-08-15. Review status: criteria provided, single submitter. Criteria: Invitae Variant Classification Sherloc (09022015). Collection method: clinical testing. Allele origin: germline.
Comment: In summary, the available evidence is currently insufficient to determine the role of this variant in disease. Therefore, it has been classified as a Variant of Uncertain Significance. This sequence change replaces valine with leucine at codon 635 of the IMPG1 protein (p.Val635Leu). The valine residue is highly conserved and there is a small physicochemical difference between valine and leucine. This variant is not present in population databases (ExAC no frequency). This variant has not been reported in the literature in individuals with IMPG1-related conditions. Algorithms developed to predict the effect of missense changes on protein structure and function (SIFT, PolyPhen-2, Align-GVGD) all suggest that this variant is likely to be disruptive, but these predictions have not been confirmed by published functional studies and their clinical significance is uncertain.